The following is an entry in ClinVar:

ClinVar aggregate classification (germline): Uncertain significance (1 of 4 stars; one submission).

gnomAD v4.1: 13 of 1,614,084 alleles (0.00081%); highest among the groups gnomAD compares: Non-Finnish European, 0.00093%; no homozygotes.

Submission:

GeneDx
Classification: Uncertain significance. Last evaluated: 2019-09-20. Review status: criteria provided, single submitter. Criteria: GeneDx Variant Classification Process June 2021. Collection method: clinical testing. Allele origin: germline. Affected: yes.
Comment: Not observed in large population cohorts (Lek et al., 2016); In silico analysis, which includes protein predictors and evolutionary conservation, supports that this variant does not alter protein structure/function; Has not been previously published as pathogenic or benign to our knowledge

NM_024809.5(TCTN2):c.1531T>G (p.Ser511Ala)

Gene: TCTN2 (tectonic family member 2; plus strand). Cytogenetic location: 12q24.31.
Variant type: single nucleotide variant.
Coding change: c.1531T>G on transcript NM_024809.5 (MANE Select); coding-DNA position 1531, T replaced by G.
Protein change: p.Ser511Ala; replaces serine 511 with alanine.
Molecular consequence: missense variant.
Genome position (GRCh38, 1-based): chr12:123,699,729, T>G. VCF-style: chr12-123699729-T-G. GRCh37 (hg19) VCF-style: chr12-124184276-T-G.
Other names: c.1528T>G, p.Ser510Ala (NM_001143850.3); short protein forms S510A, S511A.
Identifiers: ClinVar variation 1312143 (VCV001312143.2), dbSNP rs2135852888, ClinGen allele CA387146175.